The following is an entry in ClinVar:

ClinVar aggregate classification (germline): Uncertain significance. Review status: criteria provided, multiple submitters, no conflicts (2 of 4 stars). 2 submissions from 2 submitters: Uncertain significance (2). Last evaluated 2025-07-14.

Conditions:
Inborn genetic diseases. Identifiers: MedGen C0950123, MeSH D030342.

Allele frequency attached by ClinVar (database versions not stated): gnomAD exomes 0.00002; gnomAD 0.00037.
gnomAD v4.1: 72 of 1,407,664 alleles (0.0051%); highest among the groups gnomAD compares: African/African-American, 0.11%; no homozygotes.

Submissions (2):

Labcorp Genetics (formerly Invitae), Labcorp
Classification: Uncertain significance. Last evaluated: 2025-07-14. Review status: criteria provided, single submitter. Criteria: Invitae Variant Classification Sherloc (09022015). Collection method: clinical testing. Allele origin: germline.
Comment: This sequence change replaces serine, which is neutral and polar, with tyrosine, which is neutral and polar, at codon 483 of the KRT10 protein (p.Ser483Tyr). The frequency data for this variant in the population databases is considered unreliable, as metrics indicate poor data quality at this position in the gnomAD database. This variant has not been reported in the literature in individuals affected with KRT10-related conditions. ClinVar contains an entry for this variant (Variation ID: 2717357). Invitae Evidence Modeling of protein sequence and biophysical properties (such as structural, functional, and spatial information, amino acid conservation, physicochemical variation, residue mobility, and thermodynamic stability) indicates that this missense variant is not expected to disrupt KRT10 protein function with a negative predictive value of 80%. In summary, the available evidence is currently insufficient to determine the role of this variant in disease. Therefore, it has been classified as a Variant of Uncertain Significance.

Ambry Genetics
Classification: Uncertain significance for Inborn genetic diseases. Last evaluated: 2024-11-09. Review status: criteria provided, single submitter. Criteria: Ambry Variant Classification Scheme 2023. Collection method: clinical testing. Allele origin: germline.

NM_000421.5(KRT10):c.1448C>A (p.Ser483Tyr)

Gene: KRT10 (keratin 10; minus strand). Cytogenetic location: 17q21.2.
Variant type: single nucleotide variant.
Coding change: c.1448C>A on transcript NM_000421.5 (MANE Select); coding-DNA position 1448, C replaced by A.
Protein change: p.Ser483Tyr; replaces serine 483 with tyrosine.
Molecular consequence: missense variant.
Genome position (GRCh38, 1-based): chr17:40,819,087, G>T on the plus strand (C>A on the coding strand, the complement: KRT10 is on the minus strand). VCF-style: chr17-40819087-G-T. GRCh37 (hg19) VCF-style: chr17-38975339-G-T.
Other names: c.1448C>A, p.Ser483Tyr (NM_001379366.1); c.1448C>A (NM_000421.3); short protein forms S483Y.
Identifiers: ClinVar variation 2717357 (VCV002717357.4), dbSNP rs777365322, ClinGen allele CA8548033.